The following is an entry in ClinVar:

NM_020791.4(TAOK1):c.2422G>T (p.Glu808Ter)

Gene: TAOK1 (TAO kinase 1; plus strand). Cytogenetic location: 17q11.2.
Variant type: single nucleotide variant.
Coding change: c.2422G>T on transcript NM_020791.4 (MANE Select); coding-DNA position 2422, G replaced by T.
Protein change: p.Glu808Ter; replaces glutamic acid 808 with a stop codon.
Molecular consequence: nonsense.
Genome position (GRCh38, 1-based): chr17:29,534,178, G>T. VCF-style: chr17-29534178-G-T. GRCh37 (hg19) VCF-style: chr17-27861196-G-T.
Other names: c.1978G>T, p.Glu660Ter (NM_025142.1); short protein forms E660*, E808*.
Identifiers: ClinVar variation 4293070 (VCV004293070.1).

ClinVar aggregate classification (germline): Likely pathogenic (1 of 4 stars; one submission).

Conditions:
Developmental delay with or without intellectual impairment or behavioral abnormalities. Identifiers: MedGen C5562004, MONDO:0859199, OMIM 619575.

Submission:

3billion
Classification: Likely pathogenic for Developmental delay with or without intellectual impairment or behavioral abnormalities. Last evaluated: 2024-07-31. Review status: criteria provided, single submitter. Criteria: ACMG Guidelines, 2015. Collection method: clinical testing. Allele origin: germline. Affected: yes.
Comment: The variant is not observed in the gnomAD v4.0.0 dataset. Predicted Consequence/Location: Stop-gained (nonsense): predicted to result in a loss or disruption of normal protein function through nonsense-mediated decay (NMD) or protein truncation. Multiple pathogenic variants are reported downstream of the variant. Therefore, this variant is classified as Likely pathogenic according to the recommendation of ACMG/AMP guideline.